The following is an entry in ClinVar:

NM_080669.6(SLC46A1):c.*928A>G

Genes: SARM1 (sterile alpha and TIR motif containing 1; plus strand), SLC46A1 (solute carrier family 46 member 1; minus strand). Cytogenetic location: 17q11.2.
Variant type: single nucleotide variant.
Coding change: c.*928A>G on transcript NM_080669.6 (MANE Select); 928 bases downstream of the stop codon, A replaced by G.
Molecular consequence: 3 prime UTR variant.
Genome position (GRCh38, 1-based): chr17:28,398,728, T>C on the plus strand (A>G on the coding strand, the complement: SLC46A1 is on the minus strand). VCF-style: chr17-28398728-T-C. GRCh37 (hg19) VCF-style: chr17-26725744-T-C.
Other names: NC_000017.10:g.26725744T>C; c.*928A>G (NM_001242366.3); c.*2442T>C (NM_015077.4).
Identifiers: ClinVar variation 322393 (VCV000322393.7), dbSNP rs2239907, ClinGen allele CA10649777.
Genomic context (GRCh38, chr17:28,398,728, plus strand): 5'-GTCAAAAGTCCAGCCACACTCATTCATCCTTTCCCCAGGCCCATGAAGAGAGGCATCTCA[T>C]TGTAGAATGTATGAGGAAGTGGGAAGTATCTCAGAGAATCAGCTAAGTTTCCTAACTTGT-3'

ClinVar aggregate classification (germline): Benign. Review status: criteria provided, multiple submitters, no conflicts (2 of 4 stars). 2 submissions from 2 submitters: Benign (2). Last evaluated 2018-01-12.

Conditions:
Congenital defect of folate absorption. Also called: Hereditary Folate Malabsorption. Identifiers: Orphanet 90045, MedGen C0342705, MONDO:0009238, OMIM 229050.

Allele frequency attached by ClinVar (database versions not stated): 1000 Genomes Project 0.54852; 1000 Genomes Project 30x 0.55044; TOPMed 0.55128; gnomAD exomes 0.63333; gnomAD 0.53216 and 0.53623.

Submissions (4):

Illumina Laboratory Services, Illumina
Classification: Benign for Congenital defect of folate absorption. Last evaluated: 2018-01-12. Review status: criteria provided, single submitter. Criteria: ICSL Variant Classification Criteria 13 December 2019. Collection method: clinical testing. Allele origin: germline.
Comment: This variant was observed in the ICSL laboratory as part of a predisposition screen in an ostensibly healthy population. It had not been previously curated by ICSL or reported in the Human Gene Mutation Database (HGMD: prior to June 1st, 2018), and was therefore a candidate for classification through an automated scoring system. Utilizing variant allele frequency, disease prevalence and penetrance estimates, and inheritance mode, an automated score was calculated to assess if this variant is too frequent to cause the disease. Based on the score and internal cut-off values, a variant classified as benign is not then subjected to further curation. The score for this variant resulted in a classification of benign for this disease.

Breakthrough Genomics
Classification: Benign. Review status: criteria provided, single submitter. Criteria: ACMG Guidelines, 2015. Collection method: not provided. Allele origin: germline. Inheritance: Autosomal recessive inheritance. Affected: yes.

Dr. Peter K. Rogan Lab, Western University
No classification provided (evidence only). Condition: Cervical cancer. Review status: no classification provided. Collection method: in vitro. Allele origin: not applicable. Functional consequence: retained intron. Not counted in ClinVar's aggregate classification.

Dr. Peter K. Rogan Lab, Western University
No classification provided (evidence only). Condition: Uterine carcinosarcoma. Review status: no classification provided. Collection method: in vitro. Allele origin: not applicable. Functional consequence: retained intron. Not counted in ClinVar's aggregate classification.